The following is an entry in ClinVar:

ClinVar aggregate classification (germline): Uncertain significance (1 of 4 stars; one submission).

Conditions:
Focal segmental glomerulosclerosis 7 (FSGS7). Identifiers: Orphanet 656, MedGen C4014925, MONDO:0014451, OMIM 616002.
Renal coloboma syndrome (PAPRS). Also called: OPTIC COLOBOMA, VESICOURETERAL REFLUX, AND RENAL ANOMALIES; OPTIC NERVE COLOBOMA WITH RENAL DISEASE; RENAL-COLOBOMA SYNDROME WITH MACULAR ABNORMALITIES; CONGENITAL ANOMALIES OF THE KIDNEY AND URINARY TRACT WITH OR WITHOUT OCULAR ABNORMALITIES; CAKUT WITH OR WITHOUT OCULAR ABNORMALITIES; PAPILLORENAL SYNDROME. Identifiers: Orphanet 1475, MedGen C1852759, MONDO:0007352, OMIM 120330.

Submission:

Labcorp Genetics (formerly Invitae), Labcorp
Classification: Uncertain significance for Renal coloboma syndrome; Focal segmental glomerulosclerosis 7. Last evaluated: 2022-06-04. Review status: criteria provided, single submitter. Criteria: Invitae Variant Classification Sherloc (09022015). Collection method: clinical testing. Allele origin: germline.
Comment: This sequence change replaces proline, which is neutral and non-polar, with arginine, which is basic and polar, at codon 271 of the PAX2 protein (p.Pro271Arg). In summary, the available evidence is currently insufficient to determine the role of this variant in disease. Therefore, it has been classified as a Variant of Uncertain Significance. Experimental studies and prediction algorithms are not available or were not evaluated, and the functional significance of this variant is currently unknown. This variant has not been reported in the literature in individuals affected with PAX2-related conditions. This variant is not present in population databases (gnomAD no frequency).

NM_000278.5(PAX2):c.812C>G (p.Pro271Arg)

Gene: PAX2 (paired box 2; plus strand). Cytogenetic location: 10q24.31.
Variant type: single nucleotide variant.
Coding change: c.812C>G on transcript NM_000278.5 (MANE Select); coding-DNA position 812, C replaced by G.
Protein change: p.Pro271Arg; replaces proline 271 with arginine.
Molecular consequence: missense variant.
Genome position (GRCh38, 1-based): chr10:100,809,129, C>G. VCF-style: chr10-100809129-C-G. GRCh37 (hg19) VCF-style: chr10-102568886-C-G.
Other names: c.905C>G, p.Pro302Arg (NM_001304569.2); c.881C>G, p.Pro294Arg (NM_003987.5, NM_003990.5); c.812C>G, p.Pro271Arg (NM_003988.5, NM_003989.5); short protein forms P294R, P271R, P302R.
Identifiers: ClinVar variation 2040807 (VCV002040807.4), dbSNP rs2493163671, ClinGen allele CA378259283.
Genomic context (GRCh38, chr10:100,809,129, plus strand): 5'-GTGCATCAATAGAGAGCTGTCACTTTTCTCTCTCCTCCCAGGGGAACGAGTACTCCCTCC[C>G]AGCCCTGACCCCTGGGCTTGATGAAGTCAAGTCGAGTCTATCTGCATCCACCAACCCTGA-3'
Protein context (NP_000269.3, residues 261-281): KSEQGNEYSL[Pro271Arg]ALTPGLDEVK